The following is an entry in ClinVar:

NM_201384.3(PLEC):c.10363C>T (p.Leu3455=)

Gene: PLEC (plectin; minus strand). Cytogenetic location: 8q24.3.
Variant type: single nucleotide variant.
Coding change: c.10363C>T on transcript NM_201384.3 (MANE Select); coding-DNA position 10363, C replaced by T.
Protein change: p.Leu3455=; no amino-acid change (leucine 3455 retained).
Molecular consequence: synonymous variant.
Genome position (GRCh38, 1-based): chr8:143,919,458, G>A on the plus strand (C>T on the coding strand, the complement: PLEC is on the minus strand). VCF-style: chr8-143919458-G-A. GRCh37 (hg19) VCF-style: chr8-144993626-G-A.
Other names: c.10444C>T, p.Leu3482= (NM_000445.5); c.10321C>T, p.Leu3441= (NM_201378.4); c.10297C>T, p.Leu3433= (NM_201379.3); c.10774C>T, p.Leu3592= (NM_201380.4); c.10267C>T, p.Leu3423= (NM_201381.3); c.10363C>T, p.Leu3455= (NM_201382.4); c.10375C>T, p.Leu3459= (NM_201383.3).
Identifiers: ClinVar variation 783223 (VCV000783223.9), dbSNP rs782756269, ClinGen allele CA4924677.

ClinVar aggregate classification (germline): Likely benign. Review status: criteria provided, multiple submitters, no conflicts (2 of 4 stars). 2 submissions from 2 submitters: Likely benign (2). Last evaluated 2026-07-16.

Conditions:
Epidermolysis bullosa simplex 5B, with muscular dystrophy (EBS5B). Also called: Epidermolysis bullosa simplex with muscular dystrophy; EPIDERMOLYSIS BULLOSA SIMPLEX AND LIMB-GIRDLE MUSCULAR DYSTROPHY. Identifiers: Orphanet 257, MedGen C2931072, MONDO:0009181, OMIM 226670.
Epidermolysis bullosa simplex with nail dystrophy (EBS5D). Identifiers: MedGen C4225309, MONDO:0014661, OMIM 616487.
Autosomal recessive limb-girdle muscular dystrophy type 2Q (LGMDR17). Also called: MUSCULAR DYSTROPHY, LIMB-GIRDLE, AUTOSOMAL RECESSIVE 17. Identifiers: Orphanet 254361, MedGen C3150989, MONDO:0013390, OMIM 613723.
Epidermolysis bullosa simplex 5C, with pyloric atresia (EBS5C). Also called: PLEC-Related Epidermolysis Bullosa with Pyloric Atresia; Epidermolysis bullosa simplex with pyloric atresia; PLEC1-Related Epidermolysis Bullosa with Pyloric Atresia. Identifiers: Orphanet 158684, MedGen C2677349, MONDO:0012807, OMIM 612138.
Epidermolysis bullosa simplex, Ogna type (EBS5A). Also called: Pidermolysis bullosa simplex 5A, Ogna type; EPIDERMOLYSIS BULLOSA SIMPLEX 5A, OGNA TYPE. Identifiers: Orphanet 79401, MedGen C0432317, MONDO:0007555, OMIM 131950.
PLEC-related disorder. Also called: PLEC-related disorders; PLEC-related condition.

Allele frequency attached by ClinVar (database versions not stated): gnomAD 0.00002; gnomAD exomes 0.00008 and 0.00018; TOPMed 0.00008; ExAC 0.00014.
gnomAD v4.1: 48 of 1,613,190 alleles (0.003%); highest among the groups gnomAD compares: Admixed American, 0.08%; no homozygotes.

Submissions (2):

PreventionGenetics, part of Exact Sciences
Classification: Likely benign for PLEC-related condition. Last evaluated: 2026-07-16. Review status: criteria provided, single submitter. Criteria: ACMG Guidelines, 2015. Collection method: clinical testing. Allele origin: germline.
Comment: This variant is classified as likely benign based on ACMG/AMP sequence variant interpretation guidelines (Richards et al. 2015 PMID: 25741868, with internal and published modifications).

Labcorp Genetics (formerly Invitae), Labcorp
Classification: Likely benign for Autosomal recessive limb-girdle muscular dystrophy type 2Q; Epidermolysis bullosa simplex, Ogna type; Epidermolysis bullosa simplex with nail dystrophy; Epidermolysis bullosa simplex 5C, with pyloric atresia; Epidermolysis bullosa simplex 5B, with muscular dystrophy. Last evaluated: 2025-12-03. Review status: criteria provided, single submitter. Criteria: Invitae Variant Classification Sherloc (09022015). Collection method: clinical testing. Allele origin: germline.